The following is an entry in ClinVar:

NM_001854.4(COL11A1):c.4248+3G>A

Gene: COL11A1 (collagen type XI alpha 1 chain; minus strand). Cytogenetic location: 1p21.1.
Variant type: single nucleotide variant.
Coding change: c.4248+3G>A on transcript NM_001854.4 (MANE Select); 3 bases into the intron after coding-DNA position 4248, G replaced by A.
Molecular consequence: intron variant.
Genome position (GRCh38, 1-based): chr1:102,898,663, C>T on the plus strand (G>A on the coding strand, the complement: COL11A1 is on the minus strand). VCF-style: chr1-102898663-C-T. GRCh37 (hg19) VCF-style: chr1-103364219-C-T.
Other names: c.4131+3G>A (NM_001190709.2); c.4284+3G>A (NM_080629.3); c.3900+3G>A (NM_080630.4).
Identifiers: ClinVar variation 4983951 (VCV004983951.1).

ClinVar aggregate classification (germline): Uncertain significance (1 of 4 stars; one submission).

Conditions:
COL11A1-related disorder. Also called: COL11A1-related condition; COL11A1-related disorders.

gnomAD v4.1: 1 of 1,610,086 alleles (0.000062%); no homozygotes.

Submission:

PreventionGenetics, part of Exact Sciences
Classification: Uncertain significance for COL11A1-related condition. Last evaluated: 2024-10-24. Review status: criteria provided, single submitter. Criteria: ACMG Guidelines, 2015. Collection method: clinical testing. Allele origin: germline.
Comment: The COL11A1 c.4248+3G>A variant is predicted to interfere with splicing. To our knowledge, this variant has not been reported in the literature or in a large population database (gnomAD), indicating this variant is rare. At this time, the clinical significance of this variant is uncertain due to the absence of conclusive functional and genetic evidence.